The following is an entry in ClinVar:

ClinVar aggregate classification (germline): Uncertain significance (1 of 4 stars; one submission).

Submission:

GeneDx
Classification: Uncertain significance. Last evaluated: 2026-03-25. Review status: criteria provided, single submitter. Criteria: GeneDx Variant Classification Process June 2021. Collection method: clinical testing. Allele origin: germline.
Comment: Not observed at significant frequency in large population cohorts (gnomAD); Has not been previously published as pathogenic or benign to our knowledge; Canonical splice site variant in a gene for which loss of function is not an established mechanism of disease; Variants in candidate genes are classified as variants of uncertain significance in accordance with ACMG guidelines (PMID: 25741868)

NM_015329.4(MAU2):c.1549-1G>A

Gene: MAU2 (MAU2 sister chromatid cohesion factor; plus strand). Cytogenetic location: 19p13.11.
Variant type: single nucleotide variant.
Coding change: c.1549-1G>A on transcript NM_015329.4 (MANE Select); the canonical splice acceptor site of the intron before coding-DNA position 1549, G replaced by A.
Molecular consequence: splice acceptor variant.
Genome position (GRCh38, 1-based): chr19:19,354,354, G>A. VCF-style: chr19-19354354-G-A. GRCh37 (hg19) VCF-style: chr19-19465163-G-A.
Identifiers: ClinVar variation 5017075 (VCV005017075.1).